The following is an entry in ClinVar:

ClinVar aggregate classification (germline): Likely benign (1 of 4 stars; one submission).

Allele frequency attached by ClinVar (database versions not stated): gnomAD exomes below 0.00001; gnomAD 0.00001.
gnomAD v4.1: 6 of 1,487,664 alleles (0.0004%); highest among the groups gnomAD compares: Middle Eastern, 0.018%; no homozygotes.

Submission:

GeneDx
Classification: Likely benign. Last evaluated: 2018-06-05. Review status: criteria provided, single submitter. Criteria: GeneDx Variant Classification (06012015). Collection method: clinical testing. Allele origin: germline. Affected: yes.
Comment: This variant is considered likely benign or benign based on one or more of the following criteria: it is a conservative change, it occurs at a poorly conserved position in the protein, it is predicted to be benign by multiple in silico algorithms, and/or has population frequency not consistent with disease.

NM_005378.6(MYCN):c.-98C>T

Genes: MYCN (MYCN proto-oncogene, bHLH transcription factor; plus strand), MYCNOS (MYCN opposite strand; minus strand). Cytogenetic location: 2p24.3.
Variant type: single nucleotide variant.
Coding change: c.-98C>T on transcript NM_005378.6 (MANE Select); 98 bases upstream of the start codon, C replaced by T.
Molecular consequence: 5 prime UTR variant. On other transcripts: synonymous variant (1), intron variant (1).
Genome position (GRCh38, 1-based): chr2:15,941,967, C>T. VCF-style: chr2-15941967-C-T. GRCh37 (hg19) VCF-style: chr2-16082089-C-T.
Other names: c.-98C>T (NM_001293228.2); c.177C>T, p.Gly59= (NM_001293233.2); c.157+1224C>T (NM_001293231.2).
Identifiers: ClinVar variation 669345 (VCV000669345.1), dbSNP rs1047169024, ClinGen allele CA43192084.